The following is an entry in ClinVar:

ClinVar aggregate classification (germline): Uncertain significance (1 of 4 stars; one submission).

Conditions:
Hereditary breast ovarian cancer syndrome. Also called: Hereditary breast and ovarian cancer syndrome (HBOC); Hereditary breast and ovarian cancer; Breast and ovarian cancer; Hereditary breast and/or ovarian cancer syndrome; BRCA1- and BRCA2-Associated Hereditary Breast and Ovarian Cancer; Hereditary breast and ovarian cancer syndrome. Identifiers: Orphanet 145, MedGen C0677776, MeSH D061325, MONDO:0003582. Disease mechanism: loss of function.

Submission:

Labcorp Genetics (formerly Invitae), Labcorp
Classification: Uncertain significance for Hereditary breast ovarian cancer syndrome. Last evaluated: 2025-07-23. Review status: criteria provided, single submitter. Criteria: Invitae Variant Classification Sherloc (09022015). Collection method: clinical testing. Allele origin: germline.
Comment: This sequence change replaces serine, which is neutral and polar, with arginine, which is basic and polar, at codon 389 of the BRCA1 protein (p.Ser389Arg). This variant is not present in population databases (gnomAD no frequency). This variant has not been reported in the literature in individuals affected with BRCA1-related conditions. Invitae Evidence Modeling of protein sequence and biophysical properties (such as structural, functional, and spatial information, amino acid conservation, physicochemical variation, residue mobility, and thermodynamic stability) indicates that this missense variant is not expected to disrupt BRCA1 protein function with a negative predictive value of 80%. In summary, the available evidence is currently insufficient to determine the role of this variant in disease. Therefore, it has been classified as a Variant of Uncertain Significance.

NM_007294.4(BRCA1):c.1167T>G (p.Ser389Arg)

Gene: BRCA1 (BRCA1 DNA repair associated; minus strand). Cytogenetic location: 17q21.31.
Variant type: single nucleotide variant.
Coding change: c.1167T>G on transcript NM_007294.4 (MANE Select); coding-DNA position 1167, T replaced by G.
Protein change: p.Ser389Arg; replaces serine 389 with arginine.
Molecular consequence: missense variant. On other transcripts: intron variant (137).
Genome position (GRCh38, 1-based): chr17:43,094,364, A>C on the plus strand (T>G on the coding strand, the complement: BRCA1 is on the minus strand). VCF-style: chr17-43094364-A-C. GRCh37 (hg19) VCF-style: chr17-41246381-A-C.
Other names: c.903T>G, p.Ser301Arg (NM_001407933.1, NM_001407935.1, NM_001407925.1 and 9 more transcripts); c.900T>G, p.Ser300Arg (NM_001407934.1, NM_001407936.1, NM_001407932.1 and 2 more transcripts); c.834T>G, p.Ser278Arg (NM_001407946.1, NM_001407947.1, NM_001407948.1 and 6 more transcripts); c.1044T>G, p.Ser348Arg (NM_001407937.1, NM_001407939.1, NM_001407938.1 and 19 more transcripts); c.1041T>G, p.Ser347Arg (NM_001407940.1, NM_001407941.1, NM_001407649.1 and 11 more transcripts); c.1026T>G, p.Ser342Arg (NM_001407942.1, NM_001407944.1, NM_001407945.1 and 29 more transcripts); c.1023T>G, p.Ser341Arg (NM_001407943.1, NM_001407740.1, NM_001407741.1 and 20 more transcripts); c.954T>G, p.Ser318Arg (NM_001407571.1, NM_001407853.1, NM_001407894.1 and 9 more transcripts); and 40 more; short protein forms S221R, S261R, S262R, S277R, S278R, S300R, S301R, S318R.
Identifiers: ClinVar variation 4800862 (VCV004800862.1).